The following is an entry in ClinVar:

NM_012210.4(TRIM32):c.442G>C (p.Asp148His)

Genes: ASTN2 (astrotactin 2; minus strand), TRIM32 (tripartite motif containing 32; plus strand). Cytogenetic location: 9q33.1.
Variant type: single nucleotide variant.
Coding change: c.442G>C on transcript NM_012210.4 (MANE Select); coding-DNA position 442, G replaced by C.
Protein change: p.Asp148His; replaces aspartic acid 148 with histidine.
Molecular consequence: missense variant. On other transcripts: intron variant (3).
Genome position (GRCh38, 1-based): chr9:116,698,184, G>C. VCF-style: chr9-116698184-G-C. GRCh37 (hg19) VCF-style: chr9-119460463-G-C.
Other names: c.442G>C, p.Asp148His (NM_001099679.2, NM_001379048.1, NM_001379049.1 and 1 more transcripts); c.2653+27587C>G (NM_014010.5); c.2794+27587C>G (NM_001365069.1); c.2806+27587C>G (NM_001365068.1); short protein forms D148H.
Identifiers: ClinVar variation 2193341 (VCV002193341.4), dbSNP rs2491059706, ClinGen allele CA374648526.
Genomic context (GRCh38, chr9:116,698,184, plus strand): 5'-CATCAGCCTCCTGGCCACTGTACACTCCCTGTCAAAGAAGCAGCTGAGGAGCGGCGTCGG[G>C]ACTTTGGAGAGAAGTTAACTCGTCTGCGGGAACTTATGGGGGAGCTGCAGCGGCGGAAGG-3'
Protein context (NP_036342.2, residues 138-158): VKEAAEERRR[Asp148His]FGEKLTRLRE

ClinVar aggregate classification (germline): Uncertain significance. Review status: criteria provided, multiple submitters, no conflicts (2 of 4 stars). 2 submissions from 2 submitters: Uncertain significance (2). Last evaluated 2025-06-19.

Conditions:
Inborn genetic diseases. Identifiers: MedGen C0950123, MeSH D030342.
Bardet-Biedl syndrome (BBS). Identifiers: Orphanet 110, MedGen C0752166, MONDO:0015229.

Submissions (2):

Ambry Genetics
Classification: Uncertain significance for Inborn genetic diseases. Last evaluated: 2025-06-19. Review status: criteria provided, single submitter. Criteria: Ambry Variant Classification Scheme 2023. Collection method: clinical testing. Allele origin: germline.

Labcorp Genetics (formerly Invitae), Labcorp
Classification: Uncertain significance for Bardet-Biedl syndrome. Last evaluated: 2022-03-11. Review status: criteria provided, single submitter. Criteria: Invitae Variant Classification Sherloc (09022015). Collection method: clinical testing. Allele origin: germline.
Comment: This sequence change replaces aspartic acid, which is acidic and polar, with histidine, which is basic and polar, at codon 148 of the TRIM32 protein (p.Asp148His). This variant is not present in population databases (gnomAD no frequency). This variant has not been reported in the literature in individuals affected with TRIM32-related conditions. Algorithms developed to predict the effect of missense changes on protein structure and function output the following: SIFT: "Tolerated"; PolyPhen-2: "Benign"; Align-GVGD: "Class C0". The histidine amino acid residue is found in multiple mammalian species, which suggests that this missense change does not adversely affect protein function. In summary, the available evidence is currently insufficient to determine the role of this variant in disease. Therefore, it has been classified as a Variant of Uncertain Significance.